The following is an entry in ClinVar:

ClinVar aggregate classification (germline): Uncertain significance (1 of 4 stars; one submission).

Allele frequency attached by ClinVar (database versions not stated): ESP Exome Variant Server 0.00008; 1000 Genomes Project 0.00020; 1000 Genomes Project 30x 0.00031.
gnomAD v4.1: 100 of 1,612,782 alleles (0.0062%); highest among the groups gnomAD compares: Non-Finnish European, 0.0071%; no homozygotes.

Submission:

Labcorp Genetics (formerly Invitae), Labcorp
Classification: Uncertain significance. Last evaluated: 2022-07-01. Review status: criteria provided, single submitter. Criteria: Invitae Variant Classification Sherloc (09022015). Collection method: clinical testing. Allele origin: germline.
Comment: This sequence change replaces serine, which is neutral and polar, with leucine, which is neutral and non-polar, at codon 87 of the CIB1 protein (p.Ser87Leu). This variant is present in population databases (rs369465701, gnomAD 0.007%). This variant has not been reported in the literature in individuals affected with CIB1-related conditions. ClinVar contains an entry for this variant (Variation ID: 1449302). Algorithms developed to predict the effect of missense changes on protein structure and function are either unavailable or do not agree on the potential impact of this missense change (SIFT: "Tolerated"; PolyPhen-2: "Not Available"; Align-GVGD: "Class C0"). In summary, the available evidence is currently insufficient to determine the role of this variant in disease. Therefore, it has been classified as a Variant of Uncertain Significance.

NM_006384.4(CIB1):c.140C>T (p.Ser47Leu)

Gene: CIB1 (calcium and integrin binding 1; minus strand). Cytogenetic location: 15q26.1.
Variant type: single nucleotide variant.
Coding change: c.140C>T on transcript NM_006384.4 (MANE Select); coding-DNA position 140, C replaced by T.
Protein change: p.Ser47Leu; replaces serine 47 with leucine.
Molecular consequence: missense variant. On other transcripts: non-coding transcript variant (2).
Genome position (GRCh38, 1-based): chr15:90,232,274, G>A on the plus strand (C>T on the coding strand, the complement: CIB1 is on the minus strand). VCF-style: chr15-90232274-G-A. GRCh37 (hg19) VCF-style: chr15-90775506-G-A.
Other names: c.260C>T, p.Ser87Leu (NM_001277764.2); short protein forms S47L, S87L.
Identifiers: ClinVar variation 1449302 (VCV001449302.5), dbSNP rs369465701, ClinGen allele CA7734304.
Genomic context (GRCh38, chr15:90,232,274, plus strand): 5'-TGCACCTTGAGCTCTGGAAGGCTGAGAATCTGCTCGAAGGGCACTTGTGCCCGAAGTGAC[G>A]ACTCCACGCTCCGCTGCTCCTGGGGAAGCAGCTCACAAAACCGCCTGTGGGCTCTGGTAG-3'
Protein context (NP_006375.2, residues 37-57): LLPQEQRSVE[Ser47Leu]SLRAQVPFEQ